The following is an entry in ClinVar:

NM_005559.4(LAMA1):c.8308G>A (p.Gly2770Arg)

Gene: LAMA1 (laminin subunit alpha 1; minus strand). Cytogenetic location: 18p11.31.
Variant type: single nucleotide variant.
Coding change: c.8308G>A on transcript NM_005559.4 (MANE Select); coding-DNA position 8308, G replaced by A.
Protein change: p.Gly2770Arg; replaces glycine 2770 with arginine.
Molecular consequence: missense variant.
Genome position (GRCh38, 1-based): chr18:6,950,871, C>T on the plus strand (G>A on the coding strand, the complement: LAMA1 is on the minus strand). VCF-style: chr18-6950871-C-T. GRCh37 (hg19) VCF-style: chr18-6950870-C-T.
Other names: c.8308G>A (NM_005559.3); short protein forms G2770R.
Identifiers: ClinVar variation 1920318 (VCV001920318.6), dbSNP rs368663897, ClinGen allele CA8880516.

ClinVar aggregate classification (germline): Uncertain significance. Review status: criteria provided, multiple submitters, no conflicts (2 of 4 stars). 2 submissions from 2 submitters: Uncertain significance (2). Last evaluated 2025-08-21.

Conditions:
Inborn genetic diseases. Identifiers: MedGen C0950123, MeSH D030342.

gnomAD v4.1: 30 of 1,614,040 alleles (0.0019%); highest among the groups gnomAD compares: Admixed American, 0.0067%; no homozygotes.

Submissions (2):

Ambry Genetics
Classification: Uncertain significance for Inborn genetic diseases. Last evaluated: 2025-08-21. Review status: criteria provided, single submitter. Criteria: Ambry Variant Classification Scheme 2023. Collection method: clinical testing. Allele origin: germline.

Labcorp Genetics (formerly Invitae), Labcorp
Classification: Uncertain significance. Last evaluated: 2022-10-13. Review status: criteria provided, single submitter. Criteria: Invitae Variant Classification Sherloc (09022015). Collection method: clinical testing. Allele origin: germline.
Comment: In summary, the available evidence is currently insufficient to determine the role of this variant in disease. Therefore, it has been classified as a Variant of Uncertain Significance. Advanced modeling of protein sequence and biophysical properties (such as structural, functional, and spatial information, amino acid conservation, physicochemical variation, residue mobility, and thermodynamic stability) performed at Invitae indicates that this missense variant is not expected to disrupt LAMA1 protein function. This variant has not been reported in the literature in individuals affected with LAMA1-related conditions. This variant is present in population databases (rs368663897, gnomAD 0.003%). This sequence change replaces glycine, which is neutral and non-polar, with arginine, which is basic and polar, at codon 2770 of the LAMA1 protein (p.Gly2770Arg).